The following is an entry in ClinVar:

ClinVar aggregate classification (germline): Benign/Likely benign. Review status: criteria provided, multiple submitters, no conflicts (2 of 4 stars). 5 submissions from 5 submitters: Benign (1); Likely benign (1). 3 of the submissions do not count toward it. Last evaluated 2025-12-23.

Conditions:
PTCH2-related disorder. Also called: PTCH2-related condition; PTCH2-related disease.
Gorlin syndrome. Also called: Basal cell nevus syndrome; Nevoid Basal Cell Carcinoma Syndrome. Identifiers: Orphanet 377, MedGen C0004779, MONDO:0007187.

Allele frequency attached by ClinVar (database versions not stated): gnomAD exomes 0.00038; ExAC 0.00048; gnomAD 0.00104 and 0.00114; TOPMed 0.00118; ESP Exome Variant Server 0.00123; 1000 Genomes Project 30x 0.00172; 1000 Genomes Project 0.00200.
gnomAD v4.1: 453 of 1,614,128 alleles (0.028%); highest among the groups gnomAD compares: African/African-American, 0.37%; 1 homozygote.

Submissions (5):

Labcorp Genetics (formerly Invitae), Labcorp
Classification: Benign for Gorlin syndrome. Last evaluated: 2025-12-23. Review status: criteria provided, single submitter. Criteria: Invitae Variant Classification Sherloc (09022015). Collection method: clinical testing. Allele origin: germline.

GeneDx
Classification: Likely benign. Last evaluated: 2020-11-24. Review status: criteria provided, single submitter. Criteria: GeneDx Variant Classification Process June 2021. Collection method: clinical testing. Allele origin: germline. Affected: yes.

PreventionGenetics, part of Exact Sciences
Classification: Likely benign for PTCH2-related condition. Last evaluated: 2019-05-23. Review status: no assertion criteria provided. Collection method: clinical testing. Allele origin: germline. Not counted in ClinVar's aggregate classification.
Comment: This variant is classified as likely benign based on ACMG/AMP sequence variant interpretation guidelines (Richards et al. 2015 PMID: 25741868, with internal and published modifications).

Clinical Genetics DNA and cytogenetics Diagnostics Lab, Erasmus MC, Erasmus Medical Center
Classification: Likely benign. Review status: no assertion criteria provided. Collection method: clinical testing. Allele origin: germline. Affected: yes. Study: VKGL Data-share Consensus. Not counted in ClinVar's aggregate classification.

Genome Diagnostics Laboratory, Amsterdam University Medical Center
Classification: Likely benign. Review status: no assertion criteria provided. Collection method: clinical testing. Allele origin: germline. Affected: yes. Study: VKGL Data-share Consensus. Not counted in ClinVar's aggregate classification.

NM_003738.5(PTCH2):c.1593G>A (p.Ala531=)

Gene: PTCH2 (patched 2; minus strand). Cytogenetic location: 1p34.1.
Variant type: single nucleotide variant.
Coding change: c.1593G>A on transcript NM_003738.5 (MANE Select); coding-DNA position 1593, G replaced by A.
Protein change: p.Ala531=; no amino-acid change (alanine 531 retained).
Molecular consequence: synonymous variant.
Genome position (GRCh38, 1-based): chr1:44,828,412, C>T on the plus strand (G>A on the coding strand, the complement: PTCH2 is on the minus strand). VCF-style: chr1-44828412-C-T. GRCh37 (hg19) VCF-style: chr1-45294084-C-T.
Other names: c.1593G>A, p.Ala531= (NM_001166292.2).
Identifiers: ClinVar variation 453927 (VCV000453927.17), dbSNP rs11573585, ClinGen allele CA823233.